The following is an entry in ClinVar:

NM_018406.7(MUC4):c.10653C>T (p.Thr3551=)

Gene: MUC4 (mucin 4, cell surface associated). Cytogenetic location: 3q29.
Variant type: single nucleotide variant.
Coding change: c.10653C>T on transcript NM_018406.7 (MANE Select); coding-DNA position 10653, C replaced by T.
Protein change: p.Thr3551=; no amino-acid change (threonine 3551 retained).
Molecular consequence: synonymous variant. On other transcripts: genic upstream transcript variant (2).
Genome position (GRCh38, 1-based): chr3:195,780,927, G>A on the plus strand (C>T on the coding strand, the complement: MUC4 is on the minus strand). VCF-style: chr3-195780927-G-A. GRCh37 (hg19) VCF-style: chr3-195507798-G-A.
Other names: c.15423C>T, p.Thr5141= (NM_001322468.1); c.83-6622C>T (NM_138297.5); c.83-2472C>T (NM_004532.6).
Identifiers: ClinVar variation 2654418 (VCV002654418.24), dbSNP rs370271914, ClinGen allele CA438037423.

ClinVar aggregate classification (germline): Likely benign (1 of 4 stars; one submission).

Submission:

CeGaT Center for Human Genetics Tuebingen
Classification: Likely benign. Last evaluated: 2023-02-01. Review status: criteria provided, single submitter. Criteria: CeGaT Center For Human Genetics Tuebingen Variant Classification Criteria Version 2. Collection method: clinical testing. Allele origin: germline. Affected: yes. Observed: 1 variant allele.
Comment: MUC4: BP4, BP7